The following is an entry in ClinVar:

NM_004360.5(CDH1):c.431A>G (p.Asn144Ser)

Gene: CDH1 (cadherin 1; plus strand). Cytogenetic location: 16q22.1.
Variant type: single nucleotide variant.
Coding change: c.431A>G on transcript NM_004360.5 (MANE Select); coding-DNA position 431, A replaced by G.
Protein change: p.Asn144Ser; replaces asparagine 144 with serine.
Molecular consequence: missense variant. On other transcripts: 5 prime UTR variant (2).
Genome position (GRCh38, 1-based): chr16:68,808,467, A>G. VCF-style: chr16-68808467-A-G. GRCh37 (hg19) VCF-style: chr16-68842370-A-G.
Other names: c.431A>G, p.Asn144Ser (NM_001317184.2); c.-1185A>G (NM_001317185.2); c.-1389A>G (NM_001317186.2); short protein forms N144S.
Identifiers: ClinVar variation 824789 (VCV000824789.9), dbSNP rs1597890516, ClinGen allele CA396457604.

ClinVar aggregate classification (germline): Conflicting classifications of pathogenicity. Review status: criteria provided, conflicting classifications (1 of 4 stars). 2 submissions from 2 submitters: Uncertain significance (1); Likely benign (1). Last evaluated 2024-03-26.

Conditions:
Hereditary cancer-predisposing syndrome. Also called: Neoplastic Syndromes, Hereditary; Hereditary Cancer Syndrome; Hereditary neoplastic syndrome; Tumor predisposition. Identifiers: Orphanet 140162, MedGen C0027672, MeSH D009386, MONDO:0015356.
Hereditary diffuse gastric adenocarcinoma (HDGC). Also called: DIFFUSE GASTRIC AND LOBULAR BREAST CANCER SYNDROME. Identifiers: Orphanet 26106, MedGen C1708349, MONDO:0007648, OMIM 137215.

Allele frequency attached by ClinVar (database versions not stated): gnomAD exomes below 0.00001.
gnomAD v4.1: 1 of 1,613,444 alleles (0.000062%); highest among the groups gnomAD compares: Non-Finnish European, 0.000085%; no homozygotes.

Submissions (2):

Labcorp Genetics (formerly Invitae), Labcorp
Classification: Uncertain significance for Hereditary diffuse gastric adenocarcinoma. Last evaluated: 2024-03-26. Review status: criteria provided, single submitter. Criteria: Invitae Variant Classification Sherloc (09022015). Collection method: clinical testing. Allele origin: germline.
Comment: This sequence change replaces asparagine, which is neutral and polar, with serine, which is neutral and polar, at codon 144 of the CDH1 protein (p.Asn144Ser). This variant is not present in population databases (gnomAD no frequency). This variant has not been reported in the literature in individuals affected with CDH1-related conditions. ClinVar contains an entry for this variant (Variation ID: 824789). Algorithms developed to predict the effect of missense changes on protein structure and function output the following: SIFT: "Not Available"; PolyPhen-2: "Benign"; Align-GVGD: "Not Available". The serine amino acid residue is found in multiple mammalian species, which suggests that this missense change does not adversely affect protein function. RNA analysis performed to evaluate the impact of this missense change on mRNA splicing indicates it does not significantly alter splicing (Invitae). In summary, the available evidence is currently insufficient to determine the role of this variant in disease. Therefore, it has been classified as a Variant of Uncertain Significance.

Ambry Genetics
Classification: Likely benign for Hereditary cancer-predisposing syndrome. Last evaluated: 2019-11-13. Review status: criteria provided, single submitter. Criteria: Ambry Variant Classification Scheme 2023. Collection method: clinical testing. Allele origin: germline.